The following is an entry in ClinVar:

ClinVar aggregate classification (germline): Benign. Review status: criteria provided, multiple submitters, no conflicts (2 of 4 stars). 3 submissions from 3 submitters: Benign (2). 1 of the submissions does not count toward it. Last evaluated 2019-12-31.

Conditions:
DNAH17-related disorder. Also called: DNAH17-related condition.

Allele frequency attached by ClinVar (database versions not stated): gnomAD exomes 0.00150; ExAC 0.00162; 1000 Genomes Project 30x 0.00500; 1000 Genomes Project 0.00519; gnomAD 0.00523 and 0.00557; ESP Exome Variant Server 0.00554; TOPMed 0.00564.
gnomAD v4.1: 1,675 of 1,613,942 alleles (0.1%); highest among the groups gnomAD compares: African/African-American, 1.8%; 12 homozygotes.

Submissions (3):

Labcorp Genetics (formerly Invitae), Labcorp
Classification: Benign. Last evaluated: 2019-12-31. Review status: criteria provided, single submitter. Criteria: Invitae Variant Classification Sherloc (09022015). Collection method: clinical testing. Allele origin: germline.

Breakthrough Genomics
Classification: Benign. Review status: criteria provided, single submitter. Criteria: ACMG Guidelines, 2015. Collection method: not provided. Allele origin: germline. Inheritance: Autosomal recessive inheritance. Affected: yes.

PreventionGenetics, part of Exact Sciences
Classification: Benign for DNAH17-related condition. Last evaluated: 2019-06-12. Review status: no assertion criteria provided. Collection method: clinical testing. Allele origin: germline. Not counted in ClinVar's aggregate classification.
Comment: This variant is classified as benign based on ACMG/AMP sequence variant interpretation guidelines (Richards et al. 2015 PMID: 25741868, with internal and published modifications).

NM_173628.4(DNAH17):c.9156G>A (p.Leu3052=)

Gene: DNAH17 (dynein axonemal heavy chain 17; minus strand). Cytogenetic location: 17q25.3.
Variant type: single nucleotide variant.
Coding change: c.9156G>A on transcript NM_173628.4 (MANE Select); coding-DNA position 9156, G replaced by A.
Protein change: p.Leu3052=; no amino-acid change (leucine 3052 retained).
Molecular consequence: synonymous variant.
Genome position (GRCh38, 1-based): chr17:78,462,862, C>T on the plus strand (G>A on the coding strand, the complement: DNAH17 is on the minus strand). VCF-style: chr17-78462862-C-T. GRCh37 (hg19) VCF-style: chr17-76458944-C-T.
Identifiers: ClinVar variation 710119 (VCV000710119.7), dbSNP rs115712704, ClinGen allele CA8801494.